The following is an entry in ClinVar:

NM_003482.4(KMT2D):c.10824ACA[1] (p.Gln3612del)

Gene: KMT2D (lysine methyltransferase 2D; minus strand). Cytogenetic location: 12q13.12.
Variant type: Microsatellite.
Coding change: c.10824ACA[1] on transcript NM_003482.4 (MANE Select); one copy of the 3-base unit ACA starting at c.10824; the reference has two copies in a row; one copy, 3 bases deleted; also written c.10827_10829del.
Protein change: p.Gln3612del; deletes glutamine 3612.
Molecular consequence: inframe deletion.
Genome position (GRCh38, 1-based): chr12:49,033,876-49,033,878, TGT deleted on the plus strand (ACA on the coding strand, the reverse complement: KMT2D is on the minus strand); deleting any 3 consecutive bases within chr12:49,033,876-49,033,883 gives the same sequence; the position shown is the placement nearest the transcript's 3' end. VCF-style (leftmost placement, unchanged base first): chr12-49033875-CTGT-C. GRCh37 (hg19) VCF-style: chr12-49427658-CTGT-C.
Other names: c.10827_10829delACA (NM_003482.3); c.10827_10829del (NM_003482.4); short protein forms Q3612del.
Identifiers: ClinVar variation 1103330 (VCV001103330.13), dbSNP rs775815605, ClinGen allele CA6546421.

ClinVar aggregate classification (germline): Conflicting classifications of pathogenicity. Review status: criteria provided, conflicting classifications (1 of 4 stars). 4 submissions from 4 submitters: Uncertain significance (2); Likely benign (1). 1 of the submissions does not count toward it. Last evaluated 2026-01-28.

Conditions:
Kabuki syndrome 1 (KABUK1). Also called: KMT2D-Related Kabuki Syndrome. Identifiers: Orphanet 2322, MedGen CN030661, MONDO:0007843, OMIM 147920.
Choanal atresia-athelia-hypothyroidism-delayed puberty-short stature syndrome (BCAHH). Also called: BRANCHIAL ARCH ABNORMALITIES, CHOANAL ATRESIA, ATHELIA, HEARING LOSS, AND HYPOTHYROIDISM SYNDROME. Identifiers: Orphanet 589856, MedGen C5680310, MONDO:0035651, OMIM 620186.
KMT2D-related disorder. Also called: KMT2D-Related Disorders.
Kabuki syndrome. Also called: Kabuki make-up syndrome; NIIKAWA-KUROKI SYNDROME. Identifiers: Orphanet 2322, MedGen C0796004, MONDO:0016512.

Submissions (4):

Labcorp Genetics (formerly Invitae), Labcorp
Classification: Likely benign for Kabuki syndrome. Last evaluated: 2026-01-28. Review status: criteria provided, single submitter. Criteria: Invitae Variant Classification Sherloc (09022015). Collection method: clinical testing. Allele origin: germline.

Fulgent Genetics
Classification: Uncertain significance for Kabuki syndrome 1; Choanal atresia-athelia-hypothyroidism-delayed puberty-short stature syndrome. Last evaluated: 2024-05-30. Review status: criteria provided, single submitter. Criteria: ACMG Guidelines, 2015. Collection method: clinical testing. Allele origin: germline.

Revvity Omics, Revvity
Classification: Uncertain significance. Last evaluated: 2023-11-06. Review status: criteria provided, single submitter. Criteria: ACMG Guidelines, 2015. Collection method: clinical testing. Allele origin: germline.

PreventionGenetics, part of Exact Sciences
Classification: Uncertain significance for KMT2D-related condition. Last evaluated: 2024-08-12. Review status: no assertion criteria provided. Collection method: clinical testing. Allele origin: germline. Not counted in ClinVar's aggregate classification.
Comment: The KMT2D c.10827_10829delACA variant is predicted to result in an in-frame deletion (p.Gln3612del). To our knowledge, this variant has not been reported in the literature. This variant is reported in 0.046% of alleles in individuals of South Asian descent in gnomAD. Although we suspect that this variant may be benign, at this time, the clinical significance of this variant is uncertain due to the absence of conclusive functional and genetic evidence.